The following is an entry in ClinVar:

ClinVar aggregate classification (germline): Uncertain significance. Review status: criteria provided, multiple submitters, no conflicts (2 of 4 stars). 3 submissions from 3 submitters: Uncertain significance (3). Last evaluated 2026-06-20.

Conditions:
Tuberous sclerosis syndrome (TSC). Also called: Tuberous Sclerosis Complex; Tuberous sclerosis. Identifiers: Orphanet 805, MedGen C0041341, MONDO:0001734.
Hereditary cancer-predisposing syndrome. Also called: Tumor predisposition; Hereditary Cancer Syndrome; Neoplastic Syndromes, Hereditary; Hereditary neoplastic syndrome. Identifiers: Orphanet 140162, MedGen C0027672, MeSH D009386, MONDO:0015356.
Tuberous sclerosis 2 (TSC2). Identifiers: Orphanet 805, MedGen C1860707, MONDO:0013199, OMIM 613254.

Allele frequency attached by ClinVar (database versions not stated): gnomAD exomes below 0.00001.
gnomAD v4.1: 1 of 1,613,012 alleles (0.000062%); highest among the groups gnomAD compares: Non-Finnish European, 0.000085%; no homozygotes.

Submissions (3):

Ambry Genetics
Classification: Uncertain significance for Hereditary cancer-predisposing syndrome. Last evaluated: 2026-06-20. Review status: criteria provided, single submitter. Criteria: Ambry Variant Classification Scheme 2023. Collection method: clinical testing. Allele origin: germline.
Comment: The p.S1232C variant (also known as c.3695C>G), located in coding exon 30 of the TSC2 gene, results from a C to G substitution at nucleotide position 3695. The serine at codon 1232 is replaced by cysteine, an amino acid with dissimilar properties. This amino acid position is conserved. In addition, this alteration is predicted to be deleterious by in silico analysis. Based on the available evidence, the clinical significance of this variant remains unclear.

Labcorp Genetics (formerly Invitae), Labcorp
Classification: Uncertain significance for Tuberous sclerosis 2. Last evaluated: 2025-11-27. Review status: criteria provided, single submitter. Criteria: Invitae Variant Classification Sherloc (09022015). Collection method: clinical testing. Allele origin: germline.
Comment: This sequence change replaces serine, which is neutral and polar, with cysteine, which is neutral and slightly polar, at codon 1232 of the TSC2 protein (p.Ser1232Cys). This variant is not present in population databases (gnomAD no frequency). This variant has not been reported in the literature in individuals affected with TSC2-related conditions. ClinVar contains an entry for this variant (Variation ID: 3071108). Invitae Evidence Modeling of protein sequence and biophysical properties (such as structural, functional, and spatial information, amino acid conservation, physicochemical variation, residue mobility, and thermodynamic stability) indicates that this missense variant is not expected to disrupt TSC2 protein function with a negative predictive value of 95%. In summary, the available evidence is currently insufficient to determine the role of this variant in disease. Therefore, it has been classified as a Variant of Uncertain Significance.

All of Us Research Program, National Institutes of Health
Classification: Uncertain significance for Tuberous sclerosis syndrome. Last evaluated: 2023-05-16. Review status: criteria provided, single submitter. Criteria: ACMG Guidelines, 2015. Collection method: clinical testing. Allele origin: germline. Inheritance: Autosomal dominant inheritance. Observed: 1 variant allele, 1 heterozygote.
Comment: This missense variant replaces serine with cysteine at codon 1232 of the TSC2 protein. Computational prediction suggests that this variant may have deleterious impact on protein structure and function (internally defined REVEL score threshold >= 0.7, PMID: 27666373). To our knowledge, functional studies have not been reported for this variant. This variant has not been reported in individuals affected with TSC2-related disorders in the literature. This variant has not been identified in the general population by the Genome Aggregation Database (gnomAD). The available evidence is insufficient to determine the role of this variant in disease conclusively. Therefore, this variant is classified as a Variant of Uncertain Significance.

This study involves interpretation of variants in research participants for the purpose of population health screening. Participant phenotype was not available at the time of variant classification. Additional details can be found in publication PMID: 35346344, PMCID: PMC8962531

NM_000548.5(TSC2):c.3695C>G (p.Ser1232Cys)

Gene: TSC2 (TSC complex subunit 2; plus strand). Cytogenetic location: 16p13.3.
Variant type: single nucleotide variant.
Coding change: c.3695C>G on transcript NM_000548.5 (MANE Select); coding-DNA position 3695, C replaced by G.
Protein change: p.Ser1232Cys; replaces serine 1232 with cysteine.
Molecular consequence: missense variant. On other transcripts: non-coding transcript variant (5).
Genome position (GRCh38, 1-based): chr16:2,081,679, C>G. VCF-style: chr16-2081679-C-G. GRCh37 (hg19) VCF-style: chr16-2131680-C-G.
Other names: c.3095C>G, p.Ser1032Cys (NM_001406683.1, NM_001406680.1, NM_001406682.1); c.3092C>G, p.Ser1031Cys (NM_001406684.1); c.2966C>G, p.Ser989Cys (NM_001406685.1, NM_001406686.1); c.2963C>G, p.Ser988Cys (NM_001406687.1, NM_001406688.1, NM_001318831.2); c.2351C>G, p.Ser784Cys (NM_001406689.1); c.2222C>G, p.Ser741Cys (NM_001406690.1, NM_001406692.1, NM_001406693.1 and 1 more transcripts); c.2219C>G, p.Ser740Cys (NM_001406691.1, NM_001406695.1, NM_001406696.1 and 1 more transcripts); c.3563C>G, p.Ser1188Cys (NM_001077183.3, NM_001370404.1, NM_001406665.1); and 18 more; short protein forms S1031C, S1032C, S1035C, S1139C, S1140C, S1151C, S1152C, S1169C.
Identifiers: ClinVar variation 3071108 (VCV003071108.3), dbSNP rs886039876, ClinGen allele CA394292513.